The following is an entry in ClinVar:

ClinVar aggregate classification (germline): Pathogenic (1 of 4 stars; one submission).

Conditions:
Neurofibromatosis, type 1 (NF1). Also called: Neurofibromatosis, type I; VON RECKLINGHAUSEN DISEASE; NEUROFIBROMATOSIS, TYPE I, SOMATIC; Peripheral type neurofibromatosis. Identifiers: Orphanet 636, MedGen C0027831, MONDO:0018975, OMIM 162200. Disease mechanism: loss of function.

Submission:

Women's Health and Genetics/Laboratory Corporation of America, LabCorp
Classification: Pathogenic for Neurofibromatosis, type 1. Last evaluated: 2024-09-10. Review status: criteria provided, single submitter. Criteria: LabCorp Variant Classification Summary - May 2015. Collection method: clinical testing. Allele origin: germline.
Comment: Variant summary: The variant involves the deletion of exons 1-57 of the NF1 gene. A presumed nomenclature of c.(?_-384)_(*3523_?)del has been designated for the purposes of this classification. This deletion includes the entire coding sequence of the gene. As the exact proximal and distal breakpoints are unknown, it may extend beyond the annotated region of the gene to include other flanking genes. A large deletion that includes the NF1 gene was found at a frequency of 3.3e-05 in 119412 control chromosomes in the gnomAD database (Structural Variants v4.1 dataset). Large deletions that include the entire NF1 gene have been reported in the literature in numerous individuals affected with Neurofibromatosis Type 1 (e.g. Rasmussen_1998, Kehrer-Sawatzki_2004, Summerer_2018). The following publications have been ascertained in the context of this evaluation (PMID: 15257518, 9643287, 29992513). ClinVar contains an entry for this variant (Variation ID: 832492). Based on the evidence outlined above, the variant was classified as pathogenic.

Literature cited by the submitters: PubMed 23460398; PubMed 15257518; PubMed 9643287; PubMed 27069254; PubMed 29992513.

NC_000017.10:g.(?_29421944)_(29704696_?)del

Genes: EVI2A (ecotropic viral integration site 2A; minus strand), EVI2B (ecotropic viral integration site 2B; minus strand), NF1 (neurofibromin 1; plus strand), OMG (oligodendrocyte myelin glycoprotein; minus strand). Cytogenetic location: 17q11.2.
Variant type: Deletion.
Identifiers: ClinVar variation 3374911 (VCV003374911.1).